The following is an entry in ClinVar:

ClinVar aggregate classification (germline): Pathogenic (1 of 4 stars; one submission).

Conditions:
Aniridia 1 (AN1). Identifiers: Orphanet 250923, MedGen C0344542, MONDO:0024507, OMIM 106210.
Irido-corneo-trabecular dysgenesis (ASGD5). Also called: ANTERIOR SEGMENT DYSGENESIS 5. Identifiers: Orphanet 708, MedGen C0344559, MONDO:0011414, OMIM 604229, HP:0000659.

Submission:

Labcorp Genetics (formerly Invitae), Labcorp
Classification: Pathogenic for Aniridia 1; Irido-corneo-trabecular dysgenesis. Last evaluated: 2020-06-01. Review status: criteria provided, single submitter. Criteria: Invitae Variant Classification Sherloc (09022015). Collection method: clinical testing. Allele origin: germline.
Comment: This sequence change creates a premature translational stop signal (p.Met148Cysfs*2) in the PAX6 gene. It is expected to result in an absent or disrupted protein product. This variant is not present in population databases (ExAC no frequency). This variant has not been reported in the literature in individuals with PAX6-related conditions. Loss-of-function variants in PAX6 are known to be pathogenic (PMID: 12634864). For these reasons, this variant has been classified as Pathogenic.

Literature cited by the submitters: PubMed 12634864.

NM_001368894.2(PAX6):c.483del (p.Met162fs)

Gene: PAX6 (paired box 6; minus strand). Cytogenetic location: 11p13.
Variant type: Deletion.
Coding change: c.483del on transcript NM_001368894.2 (MANE Select); coding-DNA position 483, one base deleted (G; older notation c.483delG).
Protein change: p.Met162fs; shifts the reading frame from methionine 162.
Molecular consequence: frameshift variant. On other transcripts: non-coding transcript variant (2).
Genome position (GRCh38, 1-based): chr11:31,800,773, C deleted on the plus strand (G on the coding strand, the reverse complement: PAX6 is on the minus strand); the first of 2 consecutive C bases (chr11:31,800,773-31,800,774); deleting either gives the same sequence. VCF-style (leftmost placement, unchanged base first): chr11-31800772-TC-T. GRCh37 (hg19) VCF-style: chr11-31822320-TC-T.
Other names: c.441del, p.Met148fs (NM_000280.6, NM_001127612.3, NM_001258464.2 and 10 more transcripts); c.483del, p.Met162fs (NM_001258462.3, NM_001258463.2, NM_001310158.2 and 6 more transcripts); c.33del, p.Met12fs (NM_001310160.2, NM_001310161.3, NM_001368899.2 and 11 more transcripts); c.684del, p.Met229fs (NM_001368910.2); c.486del, p.Met163fs (NM_001368911.2); c.558del, p.Met187fs (NM_001368918.2, NM_001368919.2); c.516del, p.Met173fs (NM_001368920.2); c.282del, p.Met95fs (NM_001368921.2, NM_001368922.2, NM_001368923.2 and 4 more transcripts); and 1 more; short protein forms M12fs, M148fs, M162fs, M163fs, M173fs, M187fs, M229fs, M81fs.
Identifiers: ClinVar variation 1070548 (VCV001070548.3), dbSNP rs2135047165, ClinGen allele CA2499220927.
Genomic context (GRCh38, chr11:31,800,772, plus strand): 5'-CCGAAGTCCCCGGATACCAACCAGGGCGGGTGCCCCAGCTTCCGGTCTGCCCGTTCAACA[TC>T]CTTAGTTTATCATACATGCCGTCTGCGCCCATCTGTTGCTTTTCGCTAGCCAGGTTGCGA-3'